The following is an entry in ClinVar:

NM_213655.5(WNK1):c.3412T>A (p.Ser1138Thr)

Gene: WNK1 (WNK lysine deficient protein kinase 1; plus strand). Cytogenetic location: 12p13.33.
Variant type: single nucleotide variant.
Coding change: c.3412T>A on transcript NM_213655.5 (MANE Plus Clinical); coding-DNA position 3412, T replaced by A.
Protein change: p.Ser1138Thr; replaces serine 1138 with threonine.
Molecular consequence: missense variant. On other transcripts: intron variant (2).
Genome position (GRCh38, 1-based): chr12:868,883, T>A. VCF-style: chr12-868883-T-A. GRCh37 (hg19) VCF-style: chr12-978049-T-A.
Other names: c.3157T>A, p.Ser1053Thr (NM_001184985.2); c.2140-2382T>A (NM_018979.4, NM_014823.3); short protein forms S1053T, S1138T.
Identifiers: ClinVar variation 3899117 (VCV003899117.1).
Genomic context (GRCh38, chr12:868,883, plus strand): 5'-TCTGTGGTAGAGCCTATCGGACAGAACTGGCCAATAGGAAGCCCAGAATATTCCAGTGAT[T>A]CCTCACAAATCACTTCTTCAGACCCCAGTGATTTTCAGTCACCTCCCCCTACAGGGGGAG-3'
Protein context (NP_998820.3, residues 1128-1148): PIGSPEYSSD[Ser1138Thr]SQITSSDPSD

ClinVar aggregate classification (germline): Uncertain significance (1 of 4 stars; one submission).

gnomAD v4.1: 2 of 1,608,886 alleles (0.00012%); highest among the groups gnomAD compares: Non-Finnish European, 0.00017%; no homozygotes.

Submission:

GeneDx
Classification: Uncertain significance. Last evaluated: 2024-11-11. Review status: criteria provided, single submitter. Criteria: GeneDx Variant Classification Process June 2021. Collection method: clinical testing. Allele origin: germline. Affected: yes.
Comment: Not observed at significant frequency in large population cohorts (gnomAD); In silico analysis indicates that this missense variant does not alter protein structure/function; Has not been previously published as pathogenic or benign to our knowledge